The following is an entry in ClinVar:

ClinVar aggregate classification (germline): Uncertain significance. Review status: criteria provided, multiple submitters, no conflicts (2 of 4 stars). 3 submissions from 3 submitters: Uncertain significance (3). Last evaluated 2025-09-25.

Conditions:
Hereditary cancer-predisposing syndrome. Also called: Hereditary neoplastic syndrome; Neoplastic Syndromes, Hereditary; Tumor predisposition; Hereditary Cancer Syndrome. Identifiers: Orphanet 140162, MedGen C0027672, MeSH D009386, MONDO:0015356.
Fanconi anemia (FA). Also called: Fanconi's anemia. Identifiers: Orphanet 84, MedGen C0015625, MeSH D005199, MONDO:0019391.

Allele frequency attached by ClinVar (database versions not stated): TOPMed 0.00001.
gnomAD v4.1: 1 of 1,613,802 alleles (0.000062%); highest among the groups gnomAD compares: Non-Finnish European, 0.000085%; no homozygotes.

Submissions (3):

Ambry Genetics
Classification: Uncertain significance for Hereditary cancer-predisposing syndrome. Last evaluated: 2025-09-25. Review status: criteria provided, single submitter. Criteria: Ambry Variant Classification Scheme 2023. Collection method: clinical testing. Allele origin: germline.
Comment: The p.R433S variant (also known as c.1297C>A), located in coding exon 12 of the FANCC gene, results from a C to A substitution at nucleotide position 1297. The arginine at codon 433 is replaced by serine, an amino acid with dissimilar properties. This amino acid position is conserved. In addition, this alteration is predicted to be tolerated by in silico analysis. Based on the available evidence, the clinical significance of this variant remains unclear.

GeneDx
Classification: Uncertain significance. Last evaluated: 2024-01-26. Review status: criteria provided, single submitter. Criteria: GeneDx Variant Classification Process June 2021. Collection method: clinical testing. Allele origin: germline. Affected: yes.
Comment: Not observed at significant frequency in large population cohorts (gnomAD); In silico analysis supports that this missense variant does not alter protein structure/function; Has not been previously published as pathogenic or benign to our knowledge

Labcorp Genetics (formerly Invitae), Labcorp
Classification: Uncertain significance for Fanconi anemia. Last evaluated: 2019-05-14. Review status: criteria provided, single submitter. Criteria: Invitae Variant Classification Sherloc (09022015). Collection method: clinical testing. Allele origin: germline.
Comment: This variant is not present in population databases (ExAC no frequency). This variant has not been reported in the literature in individuals with FANCC-related conditions. Algorithms developed to predict the effect of missense changes on protein structure and function (SIFT, PolyPhen-2, Align-GVGD) all suggest that this variant is likely to be tolerated, but these predictions have not been confirmed by published functional studies and their clinical significance is uncertain. Algorithms developed to predict the effect of sequence changes on RNA splicing suggest that this variant may create or strengthen a splice site, but this prediction has not been confirmed by published transcriptional studies. In summary, the available evidence is currently insufficient to determine the role of this variant in disease. Therefore, it has been classified as a Variant of Uncertain Significance. This sequence change replaces arginine with serine at codon 433 of the FANCC protein (p.Arg433Ser). The arginine residue is weakly conserved and there is a moderate physicochemical difference between arginine and serine.

NM_000136.3(FANCC):c.1297C>A (p.Arg433Ser)

Genes: AOPEP (aminopeptidase O (putative); plus strand), FANCC (FA complementation group C; minus strand). Cytogenetic location: 9q22.32.
Variant type: single nucleotide variant.
Coding change: c.1297C>A on transcript NM_000136.3 (MANE Select); coding-DNA position 1297, C replaced by A.
Protein change: p.Arg433Ser; replaces arginine 433 with serine.
Molecular consequence: missense variant.
Genome position (GRCh38, 1-based): chr9:95,111,495, G>T on the plus strand (C>A on the coding strand, the complement: FANCC is on the minus strand). VCF-style: chr9-95111495-G-T. GRCh37 (hg19) VCF-style: chr9-97873777-G-T.
Other names: c.1297C>A, p.Arg433Ser (NM_001243743.2, NM_001243744.2); short protein forms R433S.
Identifiers: ClinVar variation 942073 (VCV000942073.9), dbSNP rs369684405, ClinGen allele CA374107284.
Genomic context (GRCh38, chr9:95,111,495, plus strand): 5'-AACACATGCAGTGGGGCCTGCTACCCACCATAGTCTGTGCTCTCTGCTGCCTCCCATCAC[G>T]GGGGCCGTAGTAGAAGGCCAAGAGCCACAGCAGGGCCGTGGGGGGTTCGGCTGCCGACAT-3'
Protein context (NP_000127.2, residues 423-443): LWLLAFYYGP[Arg433Ser]DGRQQRAQTM